The following is an entry in ClinVar:

ClinVar aggregate classification (germline): Pathogenic (1 of 4 stars; one submission).

Submission:

Labcorp Genetics (formerly Invitae), Labcorp
Classification: Pathogenic. Last evaluated: 2023-11-21. Review status: criteria provided, single submitter. Criteria: Invitae Variant Classification Sherloc (09022015). Collection method: clinical testing. Allele origin: germline.
Comment: This sequence change creates a premature translational stop signal (p.Gly178Leufs*4) in the SLC12A1 gene. It is expected to result in an absent or disrupted protein product. Loss-of-function variants in SLC12A1 are known to be pathogenic (PMID: 8640224, 9585600, 19096086). This variant is not present in population databases (gnomAD no frequency). This variant has not been reported in the literature in individuals affected with SLC12A1-related conditions. For these reasons, this variant has been classified as Pathogenic.

Literature cited by the submitters: PubMed 8640224; PubMed 9585600; PubMed 19096086.

NM_000338.3(SLC12A1):c.530_531dup (p.Gly178fs)

Gene: SLC12A1 (solute carrier family 12 member 1; plus strand). Cytogenetic location: 15q21.1.
Variant type: Duplication.
Coding change: c.530_531dup on transcript NM_000338.3 (MANE Select); coding-DNA positions 530 to 531, 2 bases duplicated (TT; older notation c.530_531dupTT).
Protein change: p.Gly178fs; shifts the reading frame from glycine 178.
Molecular consequence: frameshift variant.
Genome position (GRCh38, 1-based): chr15:48,220,743-48,220,744, TT duplicated; duplicating any 2 consecutive bases within chr15:48,220,742-48,220,744 gives the same sequence; the c. name uses the placement nearest the transcript's 3' end. VCF-style (leftmost placement, unchanged base first): chr15-48220741-G-GTT. GRCh37 (hg19) VCF-style: chr15-48512938-G-GTT.
Other names: c.530_531dup, p.Gly178fs (NM_001184832.2, NM_001384136.1); short protein forms G178fs.
Identifiers: ClinVar variation 3003310 (VCV003003310.3), dbSNP rs2505026270, ClinGen allele CA2740096605.